The following is an entry in ClinVar:

NM_201384.3(PLEC):c.6442C>T (p.Arg2148Trp)

Gene: PLEC (plectin; minus strand). Cytogenetic location: 8q24.3.
Variant type: single nucleotide variant.
Coding change: c.6442C>T on transcript NM_201384.3 (MANE Select); coding-DNA position 6442, C replaced by T.
Protein change: p.Arg2148Trp; replaces arginine 2148 with tryptophan.
Molecular consequence: missense variant.
Genome position (GRCh38, 1-based): chr8:143,923,487, G>A on the plus strand (C>T on the coding strand, the complement: PLEC is on the minus strand). VCF-style: chr8-143923487-G-A. GRCh37 (hg19) VCF-style: chr8-144997655-G-A.
Other names: c.6523C>T (NM_000445.4, NM_000445.3); c.6523C>T, p.Arg2175Trp (NM_000445.5); c.6400C>T, p.Arg2134Trp (NM_201378.4); c.6376C>T, p.Arg2126Trp (NM_201379.3); c.6853C>T, p.Arg2285Trp (NM_201380.4); c.6346C>T, p.Arg2116Trp (NM_201381.3); c.6442C>T, p.Arg2148Trp (NM_201382.4); c.6454C>T, p.Arg2152Trp (NM_201383.3); short protein forms R2126W, R2285W, R2116W, R2175W, R2134W, R2148W, R2152W.
Identifiers: ClinVar variation 1045349 (VCV001045349.9), dbSNP rs559437791, ClinGen allele CA4925990.
Genomic context (GRCh38, chr8:143,923,487, plus strand): 5'-CCATCTCCGCGTCAGCTGCCTGCTTCTGCCGCAGGGCCGCCTGCTCCGCCTGTGCCCGCC[G>A]CGCCGCCTCTTGCTCGGCCTCCTTGCGCAGCTTCTCTGCAGCCGCCTGTGCCTGAGCCCG-3'
Protein context (NP_958786.1, residues 2138-2158): LRKEAEQEAA[Arg2148Trp]RAQAEQAALR

ClinVar aggregate classification (germline): Uncertain significance. Review status: criteria provided, multiple submitters, no conflicts (2 of 4 stars). 4 submissions from 4 submitters: Uncertain significance (4). Last evaluated 2026-01-22.

Conditions:
PLEC-related disorder. Also called: PLEC-related disorders; PLEC-related condition.
Epidermolysis bullosa simplex 5B, with muscular dystrophy (EBS5B). Also called: Epidermolysis bullosa simplex with muscular dystrophy; EPIDERMOLYSIS BULLOSA SIMPLEX AND LIMB-GIRDLE MUSCULAR DYSTROPHY. Identifiers: Orphanet 257, MedGen C2931072, MONDO:0009181, OMIM 226670.
Epidermolysis bullosa simplex with nail dystrophy (EBS5D). Identifiers: MedGen C4225309, MONDO:0014661, OMIM 616487.
Epidermolysis bullosa simplex 5C, with pyloric atresia (EBS5C). Also called: PLEC-Related Epidermolysis Bullosa with Pyloric Atresia; Epidermolysis bullosa simplex with pyloric atresia; PLEC1-Related Epidermolysis Bullosa with Pyloric Atresia. Identifiers: Orphanet 158684, MedGen C2677349, MONDO:0012807, OMIM 612138.
Epidermolysis bullosa simplex, Ogna type (EBS5A). Also called: Pidermolysis bullosa simplex 5A, Ogna type; EPIDERMOLYSIS BULLOSA SIMPLEX 5A, OGNA TYPE. Identifiers: Orphanet 79401, MedGen C0432317, MONDO:0007555, OMIM 131950.
Autosomal recessive limb-girdle muscular dystrophy type 2Q (LGMDR17). Also called: MUSCULAR DYSTROPHY, LIMB-GIRDLE, AUTOSOMAL RECESSIVE 17. Identifiers: Orphanet 254361, MedGen C3150989, MONDO:0013390, OMIM 613723.
Inborn genetic diseases. Identifiers: MedGen C0950123, MeSH D030342.

Allele frequency attached by ClinVar (database versions not stated): TOPMed 0.00003; gnomAD 0.00004 and 0.00005; ExAC 0.00008; gnomAD exomes 0.00008; 1000 Genomes Project 30x 0.00031; 1000 Genomes Project 0.00080.
gnomAD v4.1: 40 of 1,601,194 alleles (0.0025%); highest among the groups gnomAD compares: South Asian, 0.012%; no homozygotes.

Submissions (4):

PreventionGenetics, part of Exact Sciences
Classification: Uncertain significance for PLEC-related condition. Last evaluated: 2026-01-22. Review status: criteria provided, single submitter. Criteria: ACMG Guidelines, 2015. Collection method: clinical testing. Allele origin: germline.
Comment: The PLEC c.6523C>T variant is predicted to result in the amino acid substitution p.Arg2175Trp. To our knowledge, this variant has not been reported in the literature. This variant is reported in 0.040% of alleles in individuals of East Asian descent in gnomAD. At this time, the clinical significance of this variant is uncertain due to the absence of conclusive functional and genetic evidence.

Ambry Genetics
Classification: Uncertain significance for Inborn genetic diseases. Last evaluated: 2025-02-23. Review status: criteria provided, single submitter. Criteria: Ambry Variant Classification Scheme 2023. Collection method: clinical testing. Allele origin: germline.

Labcorp Genetics (formerly Invitae), Labcorp
Classification: Uncertain significance for Autosomal recessive limb-girdle muscular dystrophy type 2Q; Epidermolysis bullosa simplex, Ogna type; Epidermolysis bullosa simplex with nail dystrophy; Epidermolysis bullosa simplex 5C, with pyloric atresia; Epidermolysis bullosa simplex 5B, with muscular dystrophy. Last evaluated: 2024-09-16. Review status: criteria provided, single submitter. Criteria: Invitae Variant Classification Sherloc (09022015). Collection method: clinical testing. Allele origin: germline.
Comment: This sequence change replaces arginine, which is basic and polar, with tryptophan, which is neutral and slightly polar, at codon 2175 of the PLEC protein (p.Arg2175Trp). This variant is present in population databases (rs559437791, gnomAD 0.04%). This variant has not been reported in the literature in individuals affected with PLEC-related conditions. ClinVar contains an entry for this variant (Variation ID: 1045349). An algorithm developed to predict the effect of missense changes on protein structure and function (PolyPhen-2) suggests that this variant is likely to be tolerated. In summary, the available evidence is currently insufficient to determine the role of this variant in disease. Therefore, it has been classified as a Variant of Uncertain Significance.

Revvity Omics, Revvity
Classification: Uncertain significance. Last evaluated: 2023-02-07. Review status: criteria provided, single submitter. Criteria: ACMG Guidelines, 2015. Collection method: clinical testing. Allele origin: germline.